The following is an entry in ClinVar:

ClinVar aggregate classification (germline): Conflicting classifications of pathogenicity. Review status: criteria provided, conflicting classifications (1 of 4 stars). 2 submissions from 2 submitters: Uncertain significance (1); Likely benign (1). Last evaluated 2026-03-27.

gnomAD v4.1: 37 of 1,414,360 alleles (0.0026%); highest among the groups gnomAD compares: Non-Finnish European, 0.0022%; no homozygotes.

Submissions (2):

Women's Health and Genetics/Laboratory Corporation of America, LabCorp
Classification: Uncertain significance. Last evaluated: 2026-03-27. Review status: criteria provided, single submitter. Criteria: LabCorp Variant Classification Summary - May 2015. Collection method: clinical testing. Allele origin: germline.
Comment: Variant summary: TRIO c.7176G>T (p.Arg2392Ser) results in a non-conservative amino acid change in the encoded protein sequence. Algorithms developed to predict the effect of missense changes on protein structure and function are either unavailable or do not agree on the potential impact of this missense change. The variant allele was found at a frequency of 0.00014 in 58000 control chromosomes. The available data on variant occurrences in the general population are insufficient to allow any conclusion about variant significance. To our knowledge, no occurrence of c.7176G>T in individuals affected with TRIO-related conditions and no experimental evidence demonstrating its impact on protein function have been reported. ClinVar contains an entry for this variant (Variation ID: 3910445). Based on the evidence outlined above, the variant was classified as uncertain significance.

Laboratory of Genetics, Children's Clinical University Hospital Latvia
Classification: Likely benign. Last evaluated: 2025-02-16. Review status: criteria provided, single submitter. Criteria: ACMG Guidelines, 2015. Collection method: clinical testing. Allele origin: germline. Affected: yes.

NM_007118.4(TRIO):c.7176G>T (p.Arg2392Ser)

Gene: TRIO (trio Rho guanine nucleotide exchange factor; plus strand). Cytogenetic location: 5p15.2.
Variant type: single nucleotide variant.
Coding change: c.7176G>T on transcript NM_007118.4 (MANE Select); coding-DNA position 7176, G replaced by T.
Protein change: p.Arg2392Ser; replaces arginine 2392 with serine.
Molecular consequence: missense variant.
Genome position (GRCh38, 1-based): chr5:14,487,804, G>T. VCF-style: chr5-14487804-G-T. GRCh37 (hg19) VCF-style: chr5-14487913-G-T.
Other names: short protein forms R2392S.
Identifiers: ClinVar variation 3910445 (VCV003910445.2).